The following is an entry in ClinVar:

ClinVar aggregate classification (germline): Conflicting classifications of pathogenicity. Review status: criteria provided, conflicting classifications (1 of 4 stars). 2 submissions from 2 submitters: Uncertain significance (1); Likely benign (1). Last evaluated 2026-02-01.

Conditions:
Inborn genetic diseases. Identifiers: MedGen C0950123, MeSH D030342.

Allele frequency attached by ClinVar (database versions not stated): ExAC 0.00002; gnomAD 0.00007; TOPMed 0.00007.
gnomAD v4.1: 105 of 1,508,044 alleles (0.007%); highest among the groups gnomAD compares: Non-Finnish European, 0.0082%; no homozygotes.

Submissions (2):

CeGaT Center for Human Genetics Tuebingen
Classification: Likely benign. Last evaluated: 2026-02-01. Review status: criteria provided, single submitter. Criteria: CeGaT Center For Human Genetics Tuebingen Variant Classification Criteria Version 2. Collection method: clinical testing. Allele origin: germline. Affected: yes. Observed: 1 variant allele.
Comment: LMBRD2: BP4

Ambry Genetics
Classification: Uncertain significance for Inborn genetic diseases. Last evaluated: 2025-05-17. Review status: criteria provided, single submitter. Criteria: Ambry Variant Classification Scheme 2023. Collection method: clinical testing. Allele origin: germline.

NM_001007527.2(LMBRD2):c.1895G>A (p.Arg632His)

Gene: LMBRD2 (LMBR1 domain containing 2; minus strand). Cytogenetic location: 5p13.2.
Variant type: single nucleotide variant.
Coding change: c.1895G>A on transcript NM_001007527.2 (MANE Select); coding-DNA position 1895, G replaced by A.
Protein change: p.Arg632His; replaces arginine 632 with histidine.
Molecular consequence: missense variant.
Genome position (GRCh38, 1-based): chr5:36,108,536, C>T on the plus strand (G>A on the coding strand, the complement: LMBRD2 is on the minus strand). VCF-style: chr5-36108536-C-T. GRCh37 (hg19) VCF-style: chr5-36108638-C-T.
Other names: short protein forms R632H.
Identifiers: ClinVar variation 2245216 (VCV002245216.7), dbSNP rs758109890, ClinGen allele CA3233511.